The following is an entry in ClinVar:

NM_020822.3(KCNT1):c.309G>T (p.Leu103=)

Gene: KCNT1 (potassium sodium-activated channel subfamily T member 1; plus strand). Cytogenetic location: 9q34.3.
Variant type: single nucleotide variant.
Coding change: c.309G>T on transcript NM_020822.3 (MANE Select); coding-DNA position 309, G replaced by T.
Protein change: p.Leu103=; no amino-acid change (leucine 103 retained).
Molecular consequence: synonymous variant.
Genome position (GRCh38, 1-based): chr9:135,750,152, G>T. VCF-style: chr9-135750152-G-T. GRCh37 (hg19) VCF-style: chr9-138641998-G-T.
Other names: c.165G>T, p.Leu55= (NM_001272003.2).
Identifiers: ClinVar variation 392958 (VCV000392958.18), dbSNP rs767894239, ClinGen allele CA5326362.

ClinVar aggregate classification (germline): Likely benign. Review status: criteria provided, multiple submitters, no conflicts (2 of 4 stars). 6 submissions from 5 submitters: Likely benign (6). Last evaluated 2025-12-23.

Conditions:
Inborn genetic diseases. Identifiers: MedGen C0950123, MeSH D030342.
Autosomal dominant nocturnal frontal lobe epilepsy 5. Also called: Epilepsy, nocturnal frontal lobe, 5; CILIARY DYSKINESIA, PRIMARY, 28, WITHOUT SITUS INVERSUS; CILIARY DYSKINESIA, PRIMARY, 28, WITH SITUS INVERSUS; KCNT1-Related Epilepsy. Identifiers: Orphanet 98784, MedGen C3554306, MONDO:0014002, OMIM 615005.
Developmental and epileptic encephalopathy, 14 (DEE14). Also called: Early infantile epileptic encephalopathy 14. Identifiers: Orphanet 293181, MedGen C3554195, MONDO:0013989, OMIM 614959.

Allele frequency attached by ClinVar (database versions not stated): ExAC 0.00003; gnomAD 0.00005; TOPMed 0.00008.
gnomAD v4.1: 27 of 1,613,744 alleles (0.0017%); highest among the groups gnomAD compares: Admixed American, 0.03%; no homozygotes.

Submissions (6):

Labcorp Genetics (formerly Invitae), Labcorp
Classification: Likely benign for Autosomal dominant nocturnal frontal lobe epilepsy 5; Developmental and epileptic encephalopathy, 14. Last evaluated: 2025-12-23. Review status: criteria provided, single submitter. Criteria: Invitae Variant Classification Sherloc (09022015). Collection method: clinical testing. Allele origin: germline.

Blueprint Genetics
Classification: Likely benign. Last evaluated: 2023-11-22. Review status: criteria provided, single submitter. Criteria: ACMG Guidelines, 2015. Collection method: clinical testing. Allele origin: germline.

Genome-Nilou Lab
Classification: Likely benign for Developmental and epileptic encephalopathy, 14. Last evaluated: 2022-03-15. Review status: criteria provided, single submitter. Criteria: ACMG Guidelines, 2015. Collection method: clinical testing. Allele origin: germline. Affected: no.

Genome-Nilou Lab
Classification: Likely benign for Autosomal dominant nocturnal frontal lobe epilepsy 5. Last evaluated: 2022-03-15. Review status: criteria provided, single submitter. Criteria: ACMG Guidelines, 2015. Collection method: clinical testing. Allele origin: germline. Affected: no.

Ambry Genetics
Classification: Likely benign for Inborn genetic diseases. Last evaluated: 2017-01-26. Review status: criteria provided, single submitter. Criteria: Ambry Variant Classification Scheme 2023. Collection method: clinical testing. Allele origin: germline.

GeneDx
Classification: Likely benign. Last evaluated: 2017-01-12. Review status: criteria provided, single submitter. Criteria: GeneDx Variant Classification (06012015). Collection method: clinical testing. Allele origin: germline. Affected: yes.
Comment: This variant is considered likely benign or benign based on one or more of the following criteria: it is a conservative change, it occurs at a poorly conserved position in the protein, it is predicted to be benign by multiple in silico algorithms, and/or has population frequency not consistent with disease.